The following is an entry in ClinVar:

NM_000548.5(TSC2):c.1257+6A>G

Gene: TSC2 (TSC complex subunit 2; plus strand). Cytogenetic location: 16p13.3.
Variant type: single nucleotide variant.
Coding change: c.1257+6A>G on transcript NM_000548.5 (MANE Select); 6 bases into the intron after coding-DNA position 1257, A replaced by G.
Molecular consequence: intron variant.
Genome position (GRCh38, 1-based): chr16:2,062,014, A>G. VCF-style: chr16-2062014-A-G. GRCh37 (hg19) VCF-style: chr16-2112015-A-G.
Other names: c.1257+6A>G (NM_001114382.3, NM_021055.3, NM_001370405.1 and 3 more transcripts); c.1146+6A>G (NM_001318827.2); c.657+6A>G (NM_001318831.2); c.1110+6A>G (NM_001318829.2); c.1290+6A>G (NM_001318832.2).
Identifiers: ClinVar variation 1432933 (VCV001432933.6), dbSNP rs2151157450, ClinGen allele CA2573151588.

ClinVar aggregate classification (germline): Uncertain significance (1 of 4 stars; one submission).

Conditions:
Tuberous sclerosis 2 (TSC2). Identifiers: Orphanet 805, MedGen C1860707, MONDO:0013199, OMIM 613254.

Submission:

Labcorp Genetics (formerly Invitae), Labcorp
Classification: Uncertain significance for Tuberous sclerosis 2. Last evaluated: 2025-11-25. Review status: criteria provided, single submitter. Criteria: Invitae Variant Classification Sherloc (09022015). Collection method: clinical testing. Allele origin: germline.
Comment: This sequence change falls in intron 12 of the TSC2 gene. It does not directly change the encoded amino acid sequence of the TSC2 protein. It affects a nucleotide within the consensus splice site. This variant is not present in population databases (gnomAD no frequency). This variant has not been reported in the literature in individuals affected with TSC2-related conditions. ClinVar contains an entry for this variant (Variation ID: 1432933). Variants that disrupt the consensus splice site are a relatively common cause of aberrant splicing (PMID: 17576681, 9536098). Studies have shown that this variant is associated with inconclusive levels of altered splicing (internal data). In summary, the available evidence is currently insufficient to determine the role of this variant in disease. Therefore, it has been classified as a Variant of Uncertain Significance.

Literature cited by the submitters: PubMed 17576681; PubMed 9536098.